The following is an entry in ClinVar:

ClinVar aggregate classification (germline): Likely pathogenic. Review status: criteria provided, single submitter (1 of 4 stars). 2 submissions from 2 submitters: Likely pathogenic (1). 1 of the submissions does not count toward it. Last evaluated 2019-01-10.

Conditions:
Nephrotic syndrome, type 17. Identifiers: MedGen C4748545, MONDO:0032580, OMIM 618176.

Submissions (2):

SIB Swiss Institute of Bioinformatics
Classification: Likely pathogenic for Nephrotic syndrome, type 17. Last evaluated: 2019-01-10. Review status: criteria provided, single submitter. Criteria: ACMG Guidelines, 2015. Collection method: curation. Allele origin: unknown.
Comment: This variant is interpreted as a Likely pathogenic for Nephrotic syndrome 17, autosomal recessive. The following ACMG Tag(s) were applied: PM2 => Absent from controls (or at extremely low frequency if recessive) in Exome Sequencing Project, 1000 Genomes Project, or Exome Aggregation Consortium. PS3 => Well-established functional studies show a deleterious effect (PMID:30179222). PM3 => For recessive disorders, detected in trans with a pathogenic variant (PMID:30179222). PP3 => Multiple lines of computational evidence support a deleterious effect on the gene or gene product.

ClinGen:CA400990952

OMIM
Classification: Pathogenic for NEPHROTIC SYNDROME, TYPE 17. Last evaluated: 2018-11-12. Review status: no assertion criteria provided. Collection method: literature only. Allele origin: germline. Not counted in ClinVar's aggregate classification.

Literature cited by the submitters: PubMed 30179222 (cited by SIB Swiss Institute of Bioinformatics and OMIM).

NM_024844.5(NUP85):c.1741G>C (p.Ala581Pro)

Genes: GGA3 (golgi associated, gamma adaptin ear containing, ARF binding protein 3; minus strand), NUP85 (nucleoporin 85; plus strand). Cytogenetic location: 17q25.1.
Variant type: single nucleotide variant.
Coding change: c.1741G>C on transcript NM_024844.5 (MANE Select); coding-DNA position 1741, G replaced by C.
Protein change: p.Ala581Pro; replaces alanine 581 with proline.
Molecular consequence: missense variant.
Genome position (GRCh38, 1-based): chr17:75,234,762, G>C. VCF-style: chr17-75234762-G-C. GRCh37 (hg19) VCF-style: chr17-73230857-G-C.
Other names: c.1603G>C, p.Ala535Pro (NM_001303276.2); c.1606G>C, p.Ala536Pro (NM_001330472.2); short protein forms A581P, A536P, A535P.
Identifiers: ClinVar variation 590318 (VCV000590318.2), dbSNP rs1321552081, ClinGen allele CA400990952.